The following is an entry in ClinVar:

NM_000271.5(NPC1):c.1892T>G (p.Met631Arg)

Gene: NPC1 (NPC intracellular cholesterol transporter 1; minus strand). Cytogenetic location: 18q11.2.
Variant type: single nucleotide variant.
Coding change: c.1892T>G on transcript NM_000271.5 (MANE Select); coding-DNA position 1892, T replaced by G.
Protein change: p.Met631Arg; replaces methionine 631 with arginine.
Molecular consequence: missense variant.
Genome position (GRCh38, 1-based): chr18:23,545,015, A>C on the plus strand (T>G on the coding strand, the complement: NPC1 is on the minus strand). VCF-style: chr18-23545015-A-C. GRCh37 (hg19) VCF-style: chr18-21124979-A-C.
Other names: short protein forms M631R.
Identifiers: ClinVar variation 4535694 (VCV004535694.2).
Genomic context (GRCh38, chr18:23,545,015, plus strand): 5'-CTTACCAGAAGCCTGCGACAGCTTTTCATGTGCCCCAAGGCTAGGGAAATATATAGAAAC[A>C]TGATGGCATAGCTAATTACAACGGTGAAGACATCACTGTCACTTTCACGATTTAGTTCAT-3'
Protein context (NP_000262.2, residues 621-641): VFTVVISYAI[Met631Arg]FLYISLALGH

ClinVar aggregate classification (germline): Uncertain significance (1 of 4 stars; one submission).

Submission:

Women's Health and Genetics/Laboratory Corporation of America, LabCorp
Classification: Uncertain significance. Last evaluated: 2025-09-05. Review status: criteria provided, single submitter. Criteria: LabCorp Variant Classification Summary - May 2015. Collection method: clinical testing. Allele origin: germline.
Comment: Variant summary: NPC1 c.1892T>G (p.Met631Arg) results in a non-conservative amino acid change in the encoded protein sequence. Algorithms developed to predict the effect of missense changes on protein structure and function all suggest that this variant is likely to be disruptive. The variant was absent in 251430 control chromosomes. c.1892T>G has been observed in compound heterozygous or heterozygous individuals affected with Niemann-Pick Disease Type C (e.g., Marelli_2016, Millat_2005, Sedel_2016, SekerYilmaz_2020). These data indicate that the variant may be associated with disease. One publication reports experimental evidence evaluating an impact on protein function, showing trafficking alterations in vitro (e.g. Shammas_2019), however, does not allow convincing conclusions about the variant effect. The following publications have been ascertained in the context of this evaluation (PMID: 27528516, 16126423, 26984608, 32709131, 30923329). No submitters have cited clinical-significance assessments for this variant to ClinVar. Based on the evidence outlined above, the variant was classified as VUS-possibly pathogenic.

Literature cited by the submitters: PubMed 27528516; PubMed 16126423; PubMed 32709131; PubMed 30923329; PubMed 26984608.